The following is an entry in ClinVar:

NM_004304.5(ALK):c.3158C>T (p.Ser1053Phe)

Gene: ALK (ALK receptor tyrosine kinase; minus strand). Cytogenetic location: 2p23.2.
Variant type: single nucleotide variant.
Coding change: c.3158C>T on transcript NM_004304.5 (MANE Select); coding-DNA position 3158, C replaced by T.
Protein change: p.Ser1053Phe; replaces serine 1053 with phenylalanine.
Molecular consequence: missense variant.
Genome position (GRCh38, 1-based): chr2:29,225,475, G>A on the plus strand (C>T on the coding strand, the complement: ALK is on the minus strand). VCF-style: chr2-29225475-G-A. GRCh37 (hg19) VCF-style: chr2-29448341-G-A.
Other names: short protein forms S1053F.
Identifiers: ClinVar variation 860124 (VCV000860124.10), dbSNP rs1663940716, ClinGen allele CA346466773.

ClinVar aggregate classification (germline): Uncertain significance. Review status: criteria provided, multiple submitters, no conflicts (2 of 4 stars). 2 submissions from 2 submitters: Uncertain significance (2). Last evaluated 2026-09-10.

Conditions:
Hereditary cancer-predisposing syndrome. Also called: Tumor predisposition; Hereditary neoplastic syndrome; Neoplastic Syndromes, Hereditary; Hereditary Cancer Syndrome. Identifiers: Orphanet 140162, MedGen C0027672, MeSH D009386, MONDO:0015356.
Neuroblastoma, susceptibility to, 3. Also called: ALK-Related Neuroblastic Tumor Susceptibility. Identifiers: Orphanet 635, MedGen C2751681, MONDO:0013083, OMIM 613014.

gnomAD v4.1: 1 of 1,613,106 alleles (0.000062%); highest among the groups gnomAD compares: Non-Finnish European, 0.000085%; no homozygotes.

Submissions (2):

Ambry Genetics
Classification: Uncertain significance for Hereditary cancer-predisposing syndrome. Last evaluated: 2026-09-10. Review status: criteria provided, single submitter. Criteria: Ambry Variant Classification Scheme 2023. Collection method: clinical testing. Allele origin: germline.
Comment: The p.S1053F variant (also known as c.3158C>T), located in coding exon 19 of the ALK gene, results from a C to T substitution at nucleotide position 3158. The serine at codon 1053 is replaced by phenylalanine, an amino acid with highly dissimilar properties. This amino acid position is highly conserved in available vertebrate species. In addition, the in silico prediction for this alteration is inconclusive. Based on the available evidence, the clinical significance of this variant remains unclear.

Labcorp Genetics (formerly Invitae), Labcorp
Classification: Uncertain significance for Neuroblastoma, susceptibility to, 3. Last evaluated: 2024-06-13. Review status: criteria provided, single submitter. Criteria: Invitae Variant Classification Sherloc (09022015). Collection method: clinical testing. Allele origin: germline.
Comment: This sequence change replaces serine, which is neutral and polar, with phenylalanine, which is neutral and non-polar, at codon 1053 of the ALK protein (p.Ser1053Phe). This variant is not present in population databases (gnomAD no frequency). This variant has not been reported in the literature in individuals affected with ALK-related conditions. ClinVar contains an entry for this variant (Variation ID: 860124). An algorithm developed to predict the effect of missense changes on protein structure and function (PolyPhen-2) suggests that this variant is likely to be disruptive. In summary, the available evidence is currently insufficient to determine the role of this variant in disease. Therefore, it has been classified as a Variant of Uncertain Significance.